The following is an entry in ClinVar:

NM_000535.7(PMS2):c.1720C>G (p.Pro574Ala)

Gene: PMS2 (PMS1 homolog 2, mismatch repair system component; minus strand). Cytogenetic location: 7p22.1.
Variant type: single nucleotide variant.
Coding change: c.1720C>G on transcript NM_000535.7 (MANE Select); coding-DNA position 1720, C replaced by G.
Protein change: p.Pro574Ala; replaces proline 574 with alanine.
Molecular consequence: missense variant. On other transcripts: non-coding transcript variant (1).
Genome position (GRCh38, 1-based): chr7:5,987,045, G>C on the plus strand (C>G on the coding strand, the complement: PMS2 is on the minus strand). VCF-style: chr7-5987045-G-C. GRCh37 (hg19) VCF-style: chr7-6026676-G-C.
Other names: c.1315C>G, p.Pro439Ala (NM_001322003.2, NM_001322004.2, NM_001322005.2 and 1 more transcripts); c.1564C>G, p.Pro522Ala (NM_001322006.2); c.1402C>G, p.Pro468Ala (NM_001322007.2, NM_001322008.2); c.1159C>G, p.Pro387Ala (NM_001322010.2); c.787C>G, p.Pro263Ala (NM_001322011.2, NM_001322012.2); c.1147C>G, p.Pro383Ala (NM_001322013.2); c.1720C>G, p.Pro574Ala (NM_001322014.2); c.1411C>G, p.Pro471Ala (NM_001322015.2); short protein forms P574A, P263A, P471A, P387A, P439A, P522A, P383A, P468A.
Identifiers: ClinVar variation 230549 (VCV000230549.23), dbSNP rs758018736, ClinGen allele CA045370.

ClinVar aggregate classification (germline): Conflicting classifications of pathogenicity. Review status: criteria provided, conflicting classifications (1 of 4 stars). 6 submissions from 6 submitters: Uncertain significance (4); Benign (1); Likely benign (1). Last evaluated 2026-07-21.

Conditions:
Hereditary nonpolyposis colorectal neoplasms. Identifiers: MedGen C0009405, MeSH D003123.
PMS2-related disorder. Also called: PMS2-related condition.
Hereditary cancer-predisposing syndrome. Also called: Neoplastic Syndromes, Hereditary; Tumor predisposition; Hereditary Cancer Syndrome; Hereditary neoplastic syndrome. Identifiers: Orphanet 140162, MedGen C0027672, MeSH D009386, MONDO:0015356.
Lynch syndrome. Identifiers: Orphanet 144, MedGen C4552100, MONDO:0005835. Disease mechanism: loss of function.

Allele frequency attached by ClinVar (database versions not stated): gnomAD exomes below 0.00001 and 0.00001; ExAC 0.00001; TOPMed 0.00002.
gnomAD v4.1: 5 of 1,614,064 alleles (0.00031%); highest among the groups gnomAD compares: Admixed American, 0.005%; no homozygotes.

Submissions (6):

PreventionGenetics, part of Exact Sciences
Classification: Uncertain significance for PMS2-related condition. Last evaluated: 2026-07-21. Review status: criteria provided, single submitter. Criteria: ACMG Guidelines, 2015. Collection method: clinical testing. Allele origin: germline.
Comment: The PMS2 c.1720C>G variant is predicted to result in the amino acid substitution p.Pro574Ala. To our knowledge, this variant has not been reported in the literature. It is reported in 0.0058% of alleles in individuals of Latino descent in gnomAD and has conflicting interpretations of pathogenicity in ClinVar ranging from likely benign to uncertain (Variation ID: 230549). Although we suspect that this variant may be benign, at this time, the clinical significance of this variant is uncertain due to the absence of conclusive functional and genetic evidence.

Labcorp Genetics (formerly Invitae), Labcorp
Classification: Benign for Hereditary nonpolyposis colorectal neoplasms. Last evaluated: 2026-01-19. Review status: criteria provided, single submitter. Criteria: Invitae Variant Classification Sherloc (09022015). Collection method: clinical testing. Allele origin: germline.

Ambry Genetics
Classification: Likely benign for Hereditary cancer-predisposing syndrome. Last evaluated: 2024-06-06. Review status: criteria provided, single submitter. Criteria: Ambry Variant Classification Scheme 2023. Collection method: clinical testing. Allele origin: germline.

All of Us Research Program, National Institutes of Health
Classification: Uncertain significance for Lynch syndrome. Last evaluated: 2024-01-11. Review status: criteria provided, single submitter. Criteria: ACMG Guidelines, 2015. Collection method: clinical testing. Allele origin: germline. Inheritance: Autosomal dominant inheritance. Observed: 2 variant alleles, 2 heterozygotes.
Comment: This missense variant replaces proline with alanine at codon 574 of the PMS2 protein. Computational prediction suggests that this variant may not impact protein structure and function (internally defined REVEL score threshold <= 0.5, PMID: 27666373). Splice site prediction tools suggest that this variant may not impact RNA splicing. To our knowledge, functional studies have not been reported for this variant. This variant has not been reported in individuals affected with hereditary cancer in the literature. This variant has been identified in 2/251364 chromosomes in the general population by the Genome Aggregation Database (gnomAD). The available evidence is insufficient to determine the role of this variant in disease conclusively. Therefore, this variant is classified as a Variant of Uncertain Significance.

This study involves interpretation of variants in research participants for the purpose of population health screening. Participant phenotype was not available at the time of variant classification. Additional details can be found in publication PMID: 35346344, PMCID: PMC8962531

Color Diagnostics, LLC DBA Color Health
Classification: Uncertain significance for Hereditary cancer-predisposing syndrome. Last evaluated: 2023-11-15. Review status: criteria provided, single submitter. Criteria: ACMG Guidelines, 2015. Collection method: clinical testing. Allele origin: germline.
Comment: This missense variant replaces proline with alanine at codon 574 of the PMS2 protein. Computational prediction suggests that this variant may not impact protein structure and function (internally defined REVEL score threshold <= 0.5, PMID: 27666373). To our knowledge, functional studies have not been reported for this variant. This variant has not been reported in individuals affected with PMS2-related disorders in the literature. This variant has been identified in 2/251364 chromosomes in the general population by the Genome Aggregation Database (gnomAD). The available evidence is insufficient to determine the role of this variant in disease conclusively. Therefore, this variant is classified as a Variant of Uncertain Significance.

Women's Health and Genetics/Laboratory Corporation of America, LabCorp
Classification: Uncertain significance. Last evaluated: 2022-04-05. Review status: criteria provided, single submitter. Criteria: LabCorp Variant Classification Summary - May 2015. Collection method: clinical testing. Allele origin: germline.